The following is an entry in ClinVar:

ClinVar aggregate classification (germline): Pathogenic (1 of 4 stars; one submission).

Submission:

GeneDx
Classification: Pathogenic. Last evaluated: 2016-05-10. Review status: criteria provided, single submitter. Criteria: GeneDx Variant Classification (06012015). Collection method: clinical testing. Allele origin: germline. Affected: yes.
Comment: The c.1098_1098+8delGgtaaatga pathogenic variant in the DYRK1A gene has not been reported previously as a pathogenic variant nor as a benign variant, to our knowledge. This splice site variant destroys the canonical splice donor site in intron 7. It is predicted to cause abnormal gene splicing, either leading to an abnormal message that is subject to nonsense-mediated mRNA decay, or to an abnormal protein product if the message is used for protein translation. The c.1098_1098+8delGgtaaatga variant was not observed in approximately 6500 individuals of European and African American ancestry in the NHLBI Exome Sequencing Project, indicating it is not a common benign variant in these populations. We interpret c.1098_1098+8delGgtaaatga as a pathogenic variant

NM_001347721.2(DYRK1A):c.1071_1071+8del

Gene: DYRK1A (dual specificity tyrosine phosphorylation regulated kinase 1A; plus strand). Cytogenetic location: 21q22.13.
Variant type: Deletion.
Coding change: c.1071_1071+8del on transcript NM_001347721.2 (MANE Select); coding-DNA position 1071 through 8 bases into the intron after coding-DNA position 1071, 9 bases deleted (GGTAAATGA; older notation c.1071_1071+8delGGTAAATGA).
Molecular consequence: splice donor variant.
Genome position (GRCh38, 1-based): chr21:37,493,163-37,493,171, GGTAAATGA deleted; deleting any 9 consecutive bases within chr21:37,493,158-37,493,171 gives the same sequence; the c. name uses the placement nearest the transcript's 3' end. VCF-style (leftmost placement, unchanged base first): chr21-37493157-CAATGAGGTA-C. GRCh37 (hg19) VCF-style: chr21-38865459-CAATGAGGTA-C.
Other names: c.1098_1098+8delGGTAAATGA (NM_001396.3); c.1098_1098+8del (NM_001396.5, NM_101395.2, NM_130438.2); c.1071_1071+8del (NM_001347722.2, NM_130436.2); c.984_984+8del (NM_001347723.2).
Identifiers: ClinVar variation 280588 (VCV000280588.2), dbSNP rs886041765, ClinGen allele CA10603549.